The following is an entry in ClinVar:

ClinVar aggregate classification (germline): Uncertain significance (1 of 4 stars; one submission).

Allele frequency attached by ClinVar (database versions not stated): gnomAD 0.00001 and 0.00002; TOPMed 0.00001; ExAC 0.00005; gnomAD exomes 0.00005.
gnomAD v4.1: 17 of 1,612,652 alleles (0.0011%); highest among the groups gnomAD compares: Admixed American, 0.027%; no homozygotes.

Submission:

Labcorp Genetics (formerly Invitae), Labcorp
Classification: Uncertain significance. Last evaluated: 2026-01-12. Review status: criteria provided, single submitter. Criteria: Invitae Variant Classification Sherloc (09022015). Collection method: clinical testing. Allele origin: germline.
Comment: This sequence change replaces aspartic acid, which is acidic and polar, with glutamic acid, which is acidic and polar, at codon 72 of the ZNF513 protein (p.Asp72Glu). This variant is present in population databases (rs541029874, gnomAD 0.03%). This variant has not been reported in the literature in individuals affected with ZNF513-related conditions. ClinVar contains an entry for this variant (Variation ID: 1469662). An algorithm developed to predict the effect of missense changes on protein structure and function (PolyPhen-2) suggests that this variant is likely to be tolerated. In summary, the available evidence is currently insufficient to determine the role of this variant in disease. Therefore, it has been classified as a Variant of Uncertain Significance.

NM_144631.6(ZNF513):c.216C>A (p.Asp72Glu)

Gene: ZNF513 (zinc finger protein 513; minus strand). Cytogenetic location: 2p23.3.
Variant type: single nucleotide variant.
Coding change: c.216C>A on transcript NM_144631.6 (MANE Select); coding-DNA position 216, C replaced by A.
Protein change: p.Asp72Glu; replaces aspartic acid 72 with glutamic acid.
Molecular consequence: missense variant.
Genome position (GRCh38, 1-based): chr2:27,379,050, G>T on the plus strand (C>A on the coding strand, the complement: ZNF513 is on the minus strand). VCF-style: chr2-27379050-G-T. GRCh37 (hg19) VCF-style: chr2-27601917-G-T.
Other names: c.30C>A, p.Asp10Glu (NM_001201459.2); short protein forms D10E, D72E.
Identifiers: ClinVar variation 1469662 (VCV001469662.8), dbSNP rs541029874, ClinGen allele CA1578101.